The following is an entry in ClinVar:

ClinVar aggregate classification (germline): Benign (1 of 4 stars; one submission).

Allele frequency attached by ClinVar (database versions not stated): gnomAD 0.74656 and 0.75275; TOPMed 0.75976; 1000 Genomes Project 30x 0.82152; 1000 Genomes Project 0.82688.
gnomAD v4.1: 114,165 of 151,794 alleles (75%); highest among the groups gnomAD compares: East Asian, 100%; 43,247 homozygotes.

Submission:

GeneDx
Classification: Benign. Last evaluated: 2018-06-14. Review status: criteria provided, single submitter. Criteria: GeneDx Variant Classification (06012015). Collection method: clinical testing. Allele origin: germline. Affected: yes.
Comment: This variant is considered likely benign or benign based on one or more of the following criteria: it is a conservative change, it occurs at a poorly conserved position in the protein, it is predicted to be benign by multiple in silico algorithms, and/or has population frequency not consistent with disease.

NM_014317.5(PDSS1):c.228-254G>A

Gene: PDSS1 (decaprenyl diphosphate synthase subunit 1; plus strand). Cytogenetic location: 10p12.1.
Variant type: single nucleotide variant.
Coding change: c.228-254G>A on transcript NM_014317.5 (MANE Select); 254 bases into the intron before coding-DNA position 228, G replaced by A.
Molecular consequence: intron variant.
Genome position (GRCh38, 1-based): chr10:26,705,032, G>A. VCF-style: chr10-26705032-G-A. GRCh37 (hg19) VCF-style: chr10-26993961-G-A.
Other names: c.-366-254G>A (NM_001321979.2); c.228-254G>A (NM_001321978.2).
Identifiers: ClinVar variation 671584 (VCV000671584.1), dbSNP rs1677729, ClinGen allele CA15654780.